The following is an entry in ClinVar:

NM_006612.6(KIF1C):c.185C>T (p.Thr62Met)

Gene: KIF1C (kinesin family member 1C; plus strand). Cytogenetic location: 17p13.2.
Variant type: single nucleotide variant.
Coding change: c.185C>T on transcript NM_006612.6 (MANE Select); coding-DNA position 185, C replaced by T.
Protein change: p.Thr62Met; replaces threonine 62 with methionine.
Molecular consequence: missense variant.
Genome position (GRCh38, 1-based): chr17:5,001,223, C>T. VCF-style: chr17-5001223-C-T. GRCh37 (hg19) VCF-style: chr17-4904518-C-T.
Other names: c.185C>T (NM_006612.5); short protein forms T62M.
Identifiers: ClinVar variation 2058909 (VCV002058909.6), dbSNP rs762688180, ClinGen allele CA8318483.

ClinVar aggregate classification (germline): Uncertain significance. Review status: criteria provided, multiple submitters, no conflicts (2 of 4 stars). 2 submissions from 2 submitters: Uncertain significance (2). Last evaluated 2024-11-05.

Conditions:
Inborn genetic diseases. Identifiers: MedGen C0950123, MeSH D030342.
Spastic ataxia 2. Also called: Ataxia, spastic, 2, autosomal recessive. Identifiers: Orphanet 397946, MedGen C1969796, MONDO:0012651, OMIM 611302.

Allele frequency attached by ClinVar (database versions not stated): ExAC 0.00001; gnomAD 0.00003; TOPMed 0.00001; gnomAD exomes 0.00002.
gnomAD v4.1: 34 of 1,613,730 alleles (0.0021%); highest among the groups gnomAD compares: South Asian, 0.0044%; no homozygotes.

Submissions (2):

Labcorp Genetics (formerly Invitae), Labcorp
Classification: Uncertain significance for Spastic ataxia 2. Last evaluated: 2024-11-05. Review status: criteria provided, single submitter. Criteria: Invitae Variant Classification Sherloc (09022015). Collection method: clinical testing. Allele origin: germline.
Comment: This sequence change replaces threonine, which is neutral and polar, with methionine, which is neutral and non-polar, at codon 62 of the KIF1C protein (p.Thr62Met). This variant is present in population databases (rs762688180, gnomAD 0.003%). This missense change has been observed in individual(s) with clinical features of hereditary spastic paraplegia (PMID: 34946966). ClinVar contains an entry for this variant (Variation ID: 2058909). An algorithm developed to predict the effect of missense changes on protein structure and function (PolyPhen-2) suggests that this variant is likely to be tolerated. In summary, the available evidence is currently insufficient to determine the role of this variant in disease. Therefore, it has been classified as a Variant of Uncertain Significance.

Ambry Genetics
Classification: Uncertain significance for Inborn genetic diseases. Last evaluated: 2023-08-14. Review status: criteria provided, single submitter. Criteria: Ambry Variant Classification Scheme 2023. Collection method: clinical testing. Allele origin: germline.

Literature cited by the submitters: PubMed 34946966 (cited by Labcorp Genetics (formerly Invitae), Labcorp).